The following is an entry in ClinVar:

ClinVar aggregate classification (germline): Uncertain significance (1 of 4 stars; one submission).

Conditions:
Brody myopathy. Also called: BRODY DISEASE. Identifiers: Orphanet 53347, MedGen C1832918, MONDO:0010977, OMIM 601003.

Allele frequency attached by ClinVar (database versions not stated): gnomAD exomes below 0.00001 and 0.00002; gnomAD 0.00001; TOPMed 0.00001; ExAC 0.00002.

Submission:

Labcorp Genetics (formerly Invitae), Labcorp
Classification: Uncertain significance for Brody myopathy. Last evaluated: 2022-09-06. Review status: criteria provided, single submitter. Criteria: Invitae Variant Classification Sherloc (09022015). Collection method: clinical testing. Allele origin: germline.
Comment: Algorithms developed to predict the effect of missense changes on protein structure and function are either unavailable or do not agree on the potential impact of this missense change (SIFT: "Deleterious"; PolyPhen-2: "Probably Damaging"; Align-GVGD: "Class C0"). This sequence change replaces aspartic acid, which is acidic and polar, with asparagine, which is neutral and polar, at codon 659 of the ATP2A1 protein (p.Asp659Asn). This variant is present in population databases (rs373775722, gnomAD 0.004%). This variant has not been reported in the literature in individuals affected with ATP2A1-related conditions. ClinVar contains an entry for this variant (Variation ID: 941277). In summary, the available evidence is currently insufficient to determine the role of this variant in disease. Therefore, it has been classified as a Variant of Uncertain Significance.

NM_004320.6(ATP2A1):c.1975G>A (p.Asp659Asn)

Gene: ATP2A1 (ATPase sarcoplasmic/endoplasmic reticulum Ca2+ transporting 1; plus strand). Cytogenetic location: 16p11.2.
Variant type: single nucleotide variant.
Coding change: c.1975G>A on transcript NM_004320.6 (MANE Select); coding-DNA position 1975, G replaced by A.
Protein change: p.Asp659Asn; replaces aspartic acid 659 with asparagine.
Molecular consequence: missense variant.
Genome position (GRCh38, 1-based): chr16:28,900,791, G>A. VCF-style: chr16-28900791-G-A. GRCh37 (hg19) VCF-style: chr16-28912112-G-A.
Other names: c.1600G>A, p.Asp534Asn (NM_001286075.2); c.1975G>A, p.Asp659Asn (NM_173201.5); short protein forms D659N, D534N.
Identifiers: ClinVar variation 941277 (VCV000941277.10), dbSNP rs373775722, ClinGen allele CA7987137.